The following is an entry in ClinVar:

ClinVar aggregate classification (germline): Uncertain significance. Review status: criteria provided, multiple submitters, no conflicts (2 of 4 stars). 2 submissions from 2 submitters: Uncertain significance (2). Last evaluated 2026-07-04.

Conditions:
Familial thoracic aortic aneurysm and aortic dissection (TAAD). Also called: Thoracic aortic aneurysms and dissections. Identifiers: Orphanet 91387, MedGen C4707243, MONDO:0019625.
Shprintzen-Goldberg syndrome (SGS). Also called: CRANIOSYNOSTOSIS WITH ARACHNODACTYLY AND ABDOMINAL HERNIAS; Marfanoid disorder with craniosynostosis type 1; Marfanoid craniosynostosis syndrome; Shprintzen-Goldberg marfanoid syndrome; SHPRINTZEN-GOLDBERG CRANIOSYNOSTOSIS SYNDROME. Identifiers: Orphanet 2462, MedGen C1321551, MONDO:0008426, OMIM 182212.

Allele frequency attached by ClinVar (database versions not stated): TOPMed below 0.00001.
gnomAD v4.1: 2 of 1,595,632 alleles (0.00013%); highest among the groups gnomAD compares: South Asian, 0.0011%; no homozygotes.

Submissions (2):

Ambry Genetics
Classification: Uncertain significance for Familial thoracic aortic aneurysm and aortic dissection. Last evaluated: 2026-07-04. Review status: criteria provided, single submitter. Criteria: Ambry Variant Classification Scheme 2023. Collection method: clinical testing. Allele origin: germline.
Comment: The p.G192S variant (also known as c.574G>A), located in coding exon 1 of the SKI gene, results from a G to A substitution at nucleotide position 574. The glycine at codon 192 is replaced by serine, an amino acid with similar properties. This amino acid position is conserved. In addition, the in silico prediction for this alteration is inconclusive. Based on the available evidence, the clinical significance of this variant remains unclear.

Labcorp Genetics (formerly Invitae), Labcorp
Classification: Uncertain significance for Shprintzen-Goldberg syndrome. Last evaluated: 2025-09-30. Review status: criteria provided, single submitter. Criteria: Invitae Variant Classification Sherloc (09022015). Collection method: clinical testing. Allele origin: germline.
Comment: This sequence change replaces glycine, which is neutral and non-polar, with serine, which is neutral and polar, at codon 192 of the SKI protein (p.Gly192Ser). This variant is not present in population databases (gnomAD no frequency). This variant has not been reported in the literature in individuals affected with SKI-related conditions. ClinVar contains an entry for this variant (Variation ID: 842118). Invitae Evidence Modeling of protein sequence and biophysical properties (such as structural, functional, and spatial information, amino acid conservation, physicochemical variation, residue mobility, and thermodynamic stability) indicates that this missense variant is not expected to disrupt SKI protein function with a negative predictive value of 95%. In summary, the available evidence is currently insufficient to determine the role of this variant in disease. Therefore, it has been classified as a Variant of Uncertain Significance.

NM_003036.4(SKI):c.574G>A (p.Gly192Ser)

Gene: SKI (SKI proto-oncogene; plus strand). Cytogenetic location: 1p36.33.
Variant type: single nucleotide variant.
Coding change: c.574G>A on transcript NM_003036.4 (MANE Select); coding-DNA position 574, G replaced by A.
Protein change: p.Gly192Ser; replaces glycine 192 with serine.
Molecular consequence: missense variant.
Genome position (GRCh38, 1-based): chr1:2,229,340, G>A. VCF-style: chr1-2229340-G-A. GRCh37 (hg19) VCF-style: chr1-2160779-G-A.
Other names: short protein forms G192S.
Identifiers: ClinVar variation 842118 (VCV000842118.11), dbSNP rs1638578159, ClinGen allele CA337954147.